The following is an entry in ClinVar:

ClinVar aggregate classification (germline): Uncertain significance (1 of 4 stars; one submission).

Conditions:
Multiple endocrine neoplasia type 4. Also called: MULTIPLE ENDOCRINE NEOPLASIA, TYPE IV. Identifiers: Orphanet 276152, MedGen C1970712, MONDO:0012552, OMIM 610755.

Submission:

Labcorp Genetics (formerly Invitae), Labcorp
Classification: Uncertain significance for Multiple endocrine neoplasia type 4. Last evaluated: 2022-04-08. Review status: criteria provided, single submitter. Criteria: Invitae Variant Classification Sherloc (09022015). Collection method: clinical testing. Allele origin: germline.
Comment: This sequence change replaces aspartic acid, which is acidic and polar, with asparagine, which is neutral and polar, at codon 108 of the CDKN1B protein (p.Asp108Asn). This variant is not present in population databases (gnomAD no frequency). This variant has not been reported in the literature in individuals affected with CDKN1B-related conditions. Algorithms developed to predict the effect of missense changes on protein structure and function are either unavailable or do not agree on the potential impact of this missense change (SIFT: "Deleterious"; PolyPhen-2: "Benign"; Align-GVGD: "Class C15"). In summary, the available evidence is currently insufficient to determine the role of this variant in disease. Therefore, it has been classified as a Variant of Uncertain Significance.

NM_004064.5(CDKN1B):c.322G>A (p.Asp108Asn)

Gene: CDKN1B (cyclin dependent kinase inhibitor 1B; plus strand). Cytogenetic location: 12p13.1.
Variant type: single nucleotide variant.
Coding change: c.322G>A on transcript NM_004064.5 (MANE Select); coding-DNA position 322, G replaced by A.
Protein change: p.Asp108Asn; replaces aspartic acid 108 with asparagine.
Molecular consequence: missense variant.
Genome position (GRCh38, 1-based): chr12:12,718,161, G>A. VCF-style: chr12-12718161-G-A. GRCh37 (hg19) VCF-style: chr12-12871095-G-A.
Other names: short protein forms D108N.
Identifiers: ClinVar variation 2083147 (VCV002083147.4), dbSNP rs2136356134, ClinGen allele CA383970215.